The following is an entry in ClinVar:

NM_006846.4(SPINK5):c.1546C>T (p.Pro516Ser)

Gene: SPINK5 (serine peptidase inhibitor Kazal type 5; plus strand). Cytogenetic location: 5q32.
Variant type: single nucleotide variant.
Coding change: c.1546C>T on transcript NM_006846.4 (MANE Select); coding-DNA position 1546, C replaced by T.
Protein change: p.Pro516Ser; replaces proline 516 with serine.
Molecular consequence: missense variant.
Genome position (GRCh38, 1-based): chr5:148,107,103, C>T. VCF-style: chr5-148107103-C-T. GRCh37 (hg19) VCF-style: chr5-147486666-C-T.
Other names: c.1546C>T, p.Pro516Ser (NM_001127698.2, NM_001127699.2); short protein forms P516S.
Identifiers: ClinVar variation 841223 (VCV000841223.10), dbSNP rs1248047998, ClinGen allele CA361639223.
Genomic context (GRCh38, chr5:148,107,103, plus strand): 5'-TGCAGTGAATTTCGGGACCAAGTGAGGAATGGAACACTTATATGCACCAGGGAGCATAAT[C>T]CTGTCCGTGGCCCAGATGGCAAAATGCATGGAAACAAGTGTGCCATGTGTGCCAGTGTGT-3'
Protein context (NP_006837.2, residues 506-526): GTLICTREHN[Pro516Ser]VRGPDGKMHG

ClinVar aggregate classification (germline): Uncertain significance (1 of 4 stars; one submission).

Conditions:
Ichthyosis linearis circumflexa. Identifiers: MedGen C0265962, MONDO:0043106, HP:0025810.

Allele frequency attached by ClinVar (database versions not stated): gnomAD exomes below 0.00001 and 0.00001.
gnomAD v4.1: 7 of 1,613,464 alleles (0.00043%); highest among the groups gnomAD compares: Non-Finnish European, 0.00059%; no homozygotes.

Submission:

Labcorp Genetics (formerly Invitae), Labcorp
Classification: Uncertain significance for Ichthyosis linearis circumflexa. Last evaluated: 2020-11-21. Review status: criteria provided, single submitter. Criteria: Invitae Variant Classification Sherloc (09022015). Collection method: clinical testing. Allele origin: germline.
Comment: In summary, the available evidence is currently insufficient to determine the role of this variant in disease. Therefore, it has been classified as a Variant of Uncertain Significance. Algorithms developed to predict the effect of missense changes on protein structure and function are either unavailable or do not agree on the potential impact of this missense change (SIFT: "Deleterious"; PolyPhen-2: "Probably Damaging"; Align-GVGD: "Class C0"). This variant has not been reported in the literature in individuals with SPINK5-related conditions. This variant is not present in population databases (ExAC no frequency). This sequence change replaces proline with serine at codon 516 of the SPINK5 protein (p.Pro516Ser). The proline residue is highly conserved and there is a moderate physicochemical difference between proline and serine.